The following is an entry in ClinVar:

NM_001243133.2(NLRP3):c.169A>G (p.Ile57Val)

Gene: NLRP3 (NLR family pyrin domain containing 3; plus strand). Cytogenetic location: 1q44.
Variant type: single nucleotide variant.
Coding change: c.169A>G on transcript NM_001243133.2 (MANE Select); coding-DNA position 169, A replaced by G.
Protein change: p.Ile57Val; replaces isoleucine 57 with valine.
Molecular consequence: missense variant.
Genome position (GRCh38, 1-based): chr1:247,418,969, A>G. VCF-style: chr1-247418969-A-G. GRCh37 (hg19) VCF-style: chr1-247582271-A-G.
Other names: c.169A>G, p.Ile57Val (NM_001079821.3, NM_001127461.3, NM_001127462.3 and 1 more transcripts); c.175A>G, p.Ile59Val (NM_004895.5); short protein forms I57V, I59V.
Identifiers: ClinVar variation 1307911 (VCV001307911.3), dbSNP rs1366541794, ClinGen allele CA345552536.

ClinVar aggregate classification (germline): Uncertain significance. Review status: criteria provided, multiple submitters, no conflicts (2 of 4 stars). 2 submissions from 2 submitters: Uncertain significance (2). Last evaluated 2022-02-09.

Conditions:
Chronic infantile neurological, cutaneous and articular syndrome (CINCA). Also called: CHRONIC NEUROLOGIC CUTANEOUS AND ARTICULAR SYNDROME; Prieur Griscelli syndrome; CINCA syndrome; CRYOPYRIN-ASSOCIATED PERIODIC SYNDROME 3. Identifiers: Orphanet 1451, MedGen C0409818, MONDO:0011776, OMIM 607115.
Keratitis fugax hereditaria. Also called: KERATOENDOTHELIITIS FUGAX HEREDITARIA. Identifiers: Orphanet 647815, MedGen C1835697, MONDO:0007849, OMIM 148200.
Familial cold autoinflammatory syndrome 1 (FCAS1). Also called: CRYOPYRIN-ASSOCIATED PERIODIC SYNDROME 1; Familial cold inflammatory syndrome 1. Identifiers: Orphanet 47045, MedGen C4551895, MONDO:0007349, OMIM 120100.
Hearing loss, autosomal dominant 34, with or without inflammation. Also called: DEAFNESS, AUTOSOMAL DOMINANT 34, WITH OR WITHOUT INFLAMMATION. Identifiers: MedGen C4521680, MONDO:0033261, OMIM 617772.
Familial amyloid nephropathy with urticaria AND deafness (MWS). Also called: UDA SYNDROME; URTICARIA-DEAFNESS-AMYLOIDOSIS SYNDROME; MUCKLE-WELLS SYNDROME; Urticaria, deafness and amyloidosis; CRYOPYRIN-ASSOCIATED PERIODIC SYNDROME 2. Identifiers: Orphanet 575, MedGen C0268390, MONDO:0008633, OMIM 191900.

Allele frequency attached by ClinVar (database versions not stated): TOPMed below 0.00001; gnomAD 0.00001.
gnomAD v4.1: 1 of 1,614,002 alleles (0.000062%); highest among the groups gnomAD compares: African/African-American, 0.0013%; no homozygotes.

Submissions (2):

Fulgent Genetics
Classification: Uncertain significance for Familial cold autoinflammatory syndrome 1; Keratitis fugax hereditaria; Familial amyloid nephropathy with urticaria AND deafness; Chronic infantile neurological, cutaneous and articular syndrome; Hearing loss, autosomal dominant 34, with or without inflammation. Last evaluated: 2022-02-09. Review status: criteria provided, single submitter. Criteria: ACMG Guidelines, 2015. Collection method: clinical testing. Allele origin: unknown.

GeneDx
Classification: Uncertain significance. Last evaluated: 2019-03-21. Review status: criteria provided, single submitter. Criteria: GeneDx Variant Classification Process June 2021. Collection method: clinical testing. Allele origin: germline. Affected: yes.
Comment: Not observed in large population cohorts (Lek et al., 2016); In silico analysis, which includes protein predictors and evolutionary conservation, supports that this variant does not alter protein structure/function; Has not been previously published as pathogenic or benign to our knowledge